The following is an entry in ClinVar:

NM_001378687.1(ATP2C1):c.1810_1811del (p.Val604fs)

Gene: ATP2C1 (ATPase secretory pathway Ca2+ transporting 1; plus strand). Cytogenetic location: 3q22.1.
Variant type: Deletion.
Coding change: c.1810_1811del on transcript NM_001378687.1 (MANE Select); coding-DNA positions 1810 to 1811, 2 bases deleted (GT; older notation c.1810_1811delGT).
Protein change: p.Val604fs; shifts the reading frame from valine 604.
Molecular consequence: frameshift variant.
Genome position (GRCh38, 1-based): chr3:130,980,650-130,980,651, GT deleted; deleting any 2 consecutive bases within chr3:130,980,649-130,980,651 gives the same sequence; the c. name uses the placement nearest the transcript's 3' end. VCF-style (leftmost placement, unchanged base first): chr3-130980648-ATG-A. GRCh37 (hg19) VCF-style: chr3-130699492-ATG-A.
Other names: c.1810_1811del, p.Val604fs (NM_001001485.3, NM_001001486.2, NM_001001487.2 and 5 more transcripts); c.1912_1913del, p.Val638fs (NM_001199180.2, NM_001199181.3, NM_001378511.1); c.1795_1796del, p.Val599fs (NM_001199182.2); c.1762_1763del, p.Val588fs (NM_001199183.2, NM_001199184.3, NM_001378514.1); short protein forms V588fs, V604fs, V638fs, V599fs.
Identifiers: ClinVar variation 817334 (VCV000817334.1), dbSNP rs1576976863, ClinGen allele CA915941580.
Genomic context (GRCh38, chr3:130,980,648, plus strand): 5'-GTCTGGGATTGTATTCCAAAACTTCCCAGTCAGTCTCAGGAGAAGAAATAGATGCAATGG[ATG>A]TTCAGCAGCTTTCACAAATAGTACCAAAGGTAGGCCTAAACTAAAGCCTTTTGGACTGAA-3'

ClinVar aggregate classification (germline): Pathogenic (1 of 4 stars; one submission).

Submission:

GeneDx
Classification: Pathogenic. Last evaluated: 2018-11-23. Review status: criteria provided, single submitter. Criteria: GeneDx Variant Classification (06012015). Collection method: clinical testing. Allele origin: germline. Affected: yes.
Comment: The c.1810_1811delGT pathogenic variant in the ATP2C1 gene causes a frameshift starting with codon Valine 604, changes this amino acid to a Serine residue and creates a premature Stop codon at position 17 of the new reading frame, denoted p.Val604SerfsX17. This pathogenic variant is predicted to cause loss of normal protein function either through protein truncation or nonsense-mediated mRNA decay. The c.1810_1811delGT variant is not observed in large population cohorts (Lek et al., 2016).